The following is an entry in ClinVar:

NM_006939.4(SOS2):c.969+1G>A

Gene: SOS2 (SOS Ras/Rho guanine nucleotide exchange factor 2; minus strand). Cytogenetic location: 14q21.3.
Variant type: single nucleotide variant.
Coding change: c.969+1G>A on transcript NM_006939.4 (MANE Select); the canonical splice donor site of the intron after coding-DNA position 969, G replaced by A.
Molecular consequence: splice donor variant.
Genome position (GRCh38, 1-based): chr14:50,180,571, C>T on the plus strand (G>A on the coding strand, the complement: SOS2 is on the minus strand). VCF-style: chr14-50180571-C-T. GRCh37 (hg19) VCF-style: chr14-50647289-C-T.
Other names: c.969+1G>A (NM_001411020.1).
Identifiers: ClinVar variation 5001587 (VCV005001587.1).

ClinVar aggregate classification (germline): Uncertain significance (1 of 4 stars; one submission).

Conditions:
SOS2-related disorder. Also called: SOS2-related condition.

gnomAD v4.1: 2 of 1,214,526 alleles (0.00016%); highest among the groups gnomAD compares: South Asian, 0.0014%; no homozygotes.

Submission:

PreventionGenetics, part of Exact Sciences
Classification: Uncertain significance for SOS2-related condition. Last evaluated: 2024-10-28. Review status: criteria provided, single submitter. Criteria: ACMG Guidelines, 2015. Collection method: clinical testing. Allele origin: germline.
Comment: The SOS2 c.969+1G>A variant is predicted to disrupt the GT donor site and interfere with normal splicing. This variant is predicted to disrupt a canonical splice donor site and potentially result in an in-frame deletion of exon 7 (NM_006939). To our knowledge, this variant has not been reported in the literature or in a large population database (gnomAD), indicating this variant is rare. Although we suspect that this variant may be pathogenic, at this time, the clinical significance of this variant is uncertain due to the absence of conclusive functional and genetic evidence.